The following is an entry in ClinVar:

NM_004239.4(TRIP11):c.*246A>G

Gene: TRIP11 (thyroid hormone receptor interactor 11; minus strand). Cytogenetic location: 14q32.12.
Variant type: single nucleotide variant.
Coding change: c.*246A>G on transcript NM_004239.4 (MANE Select); 246 bases downstream of the stop codon, A replaced by G.
Molecular consequence: 3 prime UTR variant.
Genome position (GRCh38, 1-based): chr14:91,969,427, T>C on the plus strand (A>G on the coding strand, the complement: TRIP11 is on the minus strand). VCF-style: chr14-91969427-T-C. GRCh37 (hg19) VCF-style: chr14-92435771-T-C.
Other names: c.*246A>G (NM_001321851.1).
Identifiers: ClinVar variation 314921 (VCV000314921.6), dbSNP rs111335604, ClinGen allele CA10645332.

ClinVar aggregate classification (germline): Benign. Review status: criteria provided, multiple submitters, no conflicts (2 of 4 stars). 2 submissions from 2 submitters: Benign (2). Last evaluated 2018-01-12.

Conditions:
Achondrogenesis, type IA (ACG1A). Identifiers: Orphanet 932, Orphanet 93299, MedGen C0265273, MONDO:0008701, OMIM 200600.

Allele frequency attached by ClinVar (database versions not stated): gnomAD exomes 0.00640; gnomAD 0.01067 and 0.01141; TOPMed 0.01162; 1000 Genomes Project 30x 0.02108; 1000 Genomes Project 0.02276.
gnomAD v4.1: 4,024 of 504,252 alleles (0.8%); highest among the groups gnomAD compares: South Asian, 3.5%; 94 homozygotes.

Submissions (2):

Illumina Laboratory Services, Illumina
Classification: Benign for Achondrogenesis, type IA. Last evaluated: 2018-01-12. Review status: criteria provided, single submitter. Criteria: ICSL Variant Classification Criteria 13 December 2019. Collection method: clinical testing. Allele origin: germline.
Comment: This variant was observed in the ICSL laboratory as part of a predisposition screen in an ostensibly healthy population. It had not been previously curated by ICSL or reported in the Human Gene Mutation Database (HGMD: prior to June 1st, 2018), and was therefore a candidate for classification through an automated scoring system. Utilizing variant allele frequency, disease prevalence and penetrance estimates, and inheritance mode, an automated score was calculated to assess if this variant is too frequent to cause the disease. Based on the score and internal cut-off values, a variant classified as benign is not then subjected to further curation. The score for this variant resulted in a classification of benign for this disease.

Breakthrough Genomics
Classification: Benign. Review status: criteria provided, single submitter. Criteria: ACMG Guidelines, 2015. Collection method: not provided. Allele origin: germline. Inheritance: Autosomal recessive inheritance. Affected: yes.